The following is an entry in ClinVar:

NM_000548.5(TSC2):c.2486A>C (p.Lys829Thr)

Gene: TSC2 (TSC complex subunit 2; plus strand). Cytogenetic location: 16p13.3.
Variant type: single nucleotide variant.
Coding change: c.2486A>C on transcript NM_000548.5 (MANE Select); coding-DNA position 2486, A replaced by C.
Protein change: p.Lys829Thr; replaces lysine 829 with threonine.
Molecular consequence: missense variant.
Genome position (GRCh38, 1-based): chr16:2,074,330, A>C. VCF-style: chr16-2074330-A-C. GRCh37 (hg19) VCF-style: chr16-2124331-A-C.
Other names: c.2486A>C, p.Lys829Thr (NM_001077183.3, NM_001114382.3, NM_001363528.2 and 3 more transcripts); c.2375A>C, p.Lys792Thr (NM_001318827.2); c.2339A>C, p.Lys780Thr (NM_001318829.2); c.1886A>C, p.Lys629Thr (NM_001318831.2); c.2519A>C, p.Lys840Thr (NM_001318832.2); short protein forms K829T, K780T, K629T, K840T, K792T.
Identifiers: ClinVar variation 432979 (VCV000432979.15), dbSNP rs1555507617, ClinGen allele CA394277728.

ClinVar aggregate classification (germline): Uncertain significance. Review status: criteria provided, multiple submitters, no conflicts (2 of 4 stars). 4 submissions from 4 submitters: Uncertain significance (4). Last evaluated 2025-12-02.

Conditions:
Hereditary cancer-predisposing syndrome. Also called: Hereditary neoplastic syndrome; Tumor predisposition; Neoplastic Syndromes, Hereditary; Hereditary Cancer Syndrome. Identifiers: Orphanet 140162, MedGen C0027672, MeSH D009386, MONDO:0015356.
Tuberous sclerosis 2 (TSC2). Identifiers: Orphanet 805, MedGen C1860707, MONDO:0013199, OMIM 613254.

Submissions (4):

Labcorp Genetics (formerly Invitae), Labcorp
Classification: Uncertain significance for Tuberous sclerosis 2. Last evaluated: 2025-12-02. Review status: criteria provided, single submitter. Criteria: Invitae Variant Classification Sherloc (09022015). Collection method: clinical testing. Allele origin: germline.
Comment: This sequence change replaces lysine, which is basic and polar, with threonine, which is neutral and polar, at codon 829 of the TSC2 protein (p.Lys829Thr). This variant is not present in population databases (gnomAD no frequency). This variant has not been reported in the literature in individuals affected with TSC2-related conditions. ClinVar contains an entry for this variant (Variation ID: 432979). Invitae Evidence Modeling of protein sequence and biophysical properties (such as structural, functional, and spatial information, amino acid conservation, physicochemical variation, residue mobility, and thermodynamic stability) indicates that this missense variant is not expected to disrupt TSC2 protein function with a negative predictive value of 95%. In summary, the available evidence is currently insufficient to determine the role of this variant in disease. Therefore, it has been classified as a Variant of Uncertain Significance.

Ambry Genetics
Classification: Uncertain significance for Hereditary cancer-predisposing syndrome. Last evaluated: 2022-06-18. Review status: criteria provided, single submitter. Criteria: Ambry Variant Classification Scheme 2023. Collection method: clinical testing. Allele origin: germline.
Comment: The p.K829T variant (also known as c.2486A>C), located in coding exon 21 of the TSC2 gene, results from an A to C substitution at nucleotide position 2486. The lysine at codon 829 is replaced by threonine, an amino acid with similar properties. This amino acid position is conserved. In addition, this alteration is predicted to be deleterious by in silico analysis. Since supporting evidence is limited at this time, the clinical significance of this alteration remains unclear.

Genome-Nilou Lab
Classification: Uncertain significance for Tuberous sclerosis 2. Last evaluated: 2021-11-07. Review status: criteria provided, single submitter. Criteria: ACMG Guidelines, 2015. Collection method: clinical testing. Allele origin: germline. Affected: no.

GeneDx
Classification: Uncertain significance. Last evaluated: 2018-04-20. Review status: criteria provided, single submitter. Criteria: GeneDx Variant Classification (06012015). Collection method: clinical testing. Allele origin: germline. Affected: yes.
Comment: This variant is denoted TSC2 c.2486A>C at the cDNA level, p.Lys829Thr (K829T) at the protein level, and results in the change of a Lysine to a Threonine (AAG>ACG). This variant has not, to our knowledge, been published in the literature as pathogenic or benign. TSC2 Lys829Thr was not observed in large population cohorts (Lek 2016). This variant is not located in a known functional domain. In silico analysis, which includes protein predictors and evolutionary conservation, supports a deleterious effect. Based on currently available evidence, it is unclear whether TSC2 Lys829Thr is a pathogenic or benign variant. We consider it to be a variant of uncertain significance.